The following is an entry in ClinVar:

ClinVar aggregate classification (germline): Uncertain significance (1 of 4 stars; one submission).

Submission:

GeneDx
Classification: Uncertain significance. Last evaluated: 2022-12-07. Review status: criteria provided, single submitter. Criteria: GeneDx Variant Classification Process June 2021. Collection method: clinical testing. Allele origin: germline. Affected: yes.
Comment: Frameshift variant predicted to result in protein truncation or nonsense mediated decay in a gene or region of a gene for which loss of function is not a well-established mechanism of disease; Not observed at significant frequency in large population cohorts (gnomAD); Has not been previously published as pathogenic or benign to our knowledge; Variants in candidate genes are classified as variants of uncertain significance in accordance with ACMG guidelines (Richards et al., 2015)

NM_020180.4(CELF4):c.962del (p.Pro321fs)

Gene: CELF4 (CUGBP Elav-like family member 4; minus strand). Cytogenetic location: 18q12.2.
Variant type: Deletion.
Coding change: c.962del on transcript NM_020180.4 (MANE Select); coding-DNA position 962, one base deleted (C; older notation c.962delC).
Protein change: p.Pro321fs; shifts the reading frame from proline 321.
Molecular consequence: frameshift variant. On other transcripts: non-coding transcript variant (11).
Genome position (GRCh38, 1-based): chr18:37,270,905, G deleted on the plus strand (C on the coding strand, the reverse complement: CELF4 is on the minus strand); the first of 4 consecutive G bases (chr18:37,270,905-37,270,908); deleting any one gives the same sequence. VCF-style (leftmost placement, unchanged base first): chr18-37270904-AG-A. GRCh37 (hg19) VCF-style: chr18-34850867-AG-A.
Other names: c.959del, p.Pro320fs (NM_001025087.2, NM_001330603.2, NM_001353696.2 and 12 more transcripts); c.956del, p.Pro319fs (NM_001025088.2, NM_001353702.2, NM_001353712.2 and 2 more transcripts); c.932del, p.Pro311fs (NM_001025089.2, NM_001353700.2, NM_001353703.2 and 6 more transcripts); c.929del, p.Pro310fs (NM_001353695.2, NM_001353697.2, NM_001353699.2 and 14 more transcripts); c.926del, p.Pro309fs (NM_001353705.2, NM_001353706.2, NM_001353711.2 and 5 more transcripts); c.962del, p.Pro321fs (NM_001353708.2, NM_001353724.2, NM_001353731.2 and 6 more transcripts); c.590del, p.Pro197fs (NM_001353756.2, NM_001353761.2); c.563del, p.Pro188fs (NM_001353757.2, NM_001353760.2); and 1 more; short protein forms P187fs, P188fs, P197fs, P309fs, P310fs, P311fs, P319fs, P320fs.
Identifiers: ClinVar variation 3774806 (VCV003774806.1).